The following is an entry in ClinVar:

ClinVar aggregate classification (germline): Uncertain significance (1 of 4 stars; one submission).

Conditions:
Hereditary cancer-predisposing syndrome. Also called: Neoplastic Syndromes, Hereditary; Tumor predisposition; Hereditary neoplastic syndrome; Hereditary Cancer Syndrome. Identifiers: Orphanet 140162, MedGen C0027672, MeSH D009386, MONDO:0015356.

Submission:

Ambry Genetics
Classification: Uncertain significance for Hereditary cancer-predisposing syndrome. Last evaluated: 2019-11-14. Review status: criteria provided, single submitter. Criteria: Ambry Variant Classification Scheme 2023. Collection method: clinical testing. Allele origin: germline.
Comment: The p.S1426I variant (also known as c.4277G>T), located in coding exon 15 of the APC gene, results from a G to T substitution at nucleotide position 4277. The serine at codon 1426 is replaced by isoleucine, an amino acid with dissimilar properties. This amino acid position is highly conserved in available vertebrate species. In addition, in silico predictors for this gene do not accurately predict pathogenicity. Since supporting evidence is limited at this time, the clinical significance of this alteration remains unclear.

NM_000038.6(APC):c.4277G>T (p.Ser1426Ile)

Gene: APC (APC regulator of Wnt signaling pathway; plus strand). Cytogenetic location: 5q22.2.
Variant type: single nucleotide variant.
Coding change: c.4277G>T on transcript NM_000038.6 (MANE Select); coding-DNA position 4277, G replaced by T.
Protein change: p.Ser1426Ile; replaces serine 1426 with isoleucine.
Molecular consequence: missense variant.
Genome position (GRCh38, 1-based): chr5:112,839,871, G>T. VCF-style: chr5-112839871-G-T. GRCh37 (hg19) VCF-style: chr5-112175568-G-T.
Other names: c.4277G>T, p.Ser1426Ile (NM_001127510.3, NM_001354895.2); c.4223G>T, p.Ser1408Ile (NM_001127511.3); c.4331G>T, p.Ser1444Ile (NM_001354896.2); c.4307G>T, p.Ser1436Ile (NM_001354897.2); c.4202G>T, p.Ser1401Ile (NM_001354898.2); c.4193G>T, p.Ser1398Ile (NM_001354899.2); c.4154G>T, p.Ser1385Ile (NM_001354900.2); c.4100G>T, p.Ser1367Ile (NM_001354901.2); and 5 more; short protein forms S1335I, S1436I, S1143I, S1266I, S1325I, S1367I, S1385I, S1401I.
Identifiers: ClinVar variation 824747 (VCV000824747.4), dbSNP rs1580645971, ClinGen allele CA16030705.